The following is an entry in ClinVar:

ClinVar aggregate classification (germline): Uncertain significance (1 of 4 stars; one submission).

Conditions:
Pontocerebellar hypoplasia type 1A (PCH1A). Also called: PONTOCEREBELLAR HYPOPLASIA WITH ANTERIOR HORN CELL DISEASE; PONTOCEREBELLAR HYPOPLASIA WITH INFANTILE SPINAL MUSCULAR ATROPHY. Identifiers: Orphanet 2254, Orphanet 88616, MedGen C1843504, MONDO:0011866, OMIM 607596.

Allele frequency attached by ClinVar (database versions not stated): gnomAD exomes below 0.00001.
gnomAD v4.1: 1 of 1,613,454 alleles (0.000062%); highest among the groups gnomAD compares: Non-Finnish European, 0.000085%; no homozygotes.

Submission:

Labcorp Genetics (formerly Invitae), Labcorp
Classification: Uncertain significance for Pontocerebellar hypoplasia type 1A. Last evaluated: 2021-08-24. Review status: criteria provided, single submitter. Criteria: Invitae Variant Classification Sherloc (09022015). Collection method: clinical testing. Allele origin: germline.
Comment: This sequence change replaces aspartic acid with valine at codon 335 of the VRK1 protein (p.Asp335Val). The aspartic acid residue is highly conserved and there is a large physicochemical difference between aspartic acid and valine. This variant is not present in population databases (ExAC no frequency). This variant has not been reported in the literature in individuals affected with VRK1-related conditions. Algorithms developed to predict the effect of missense changes on protein structure and function are either unavailable or do not agree on the potential impact of this missense change (SIFT: "Deleterious"; PolyPhen-2: "Benign"; Align-GVGD: "Class C45"). Algorithms developed to predict the effect of sequence changes on RNA splicing suggest that this variant may create or strengthen a splice site. In summary, the available evidence is currently insufficient to determine the role of this variant in disease. Therefore, it has been classified as a Variant of Uncertain Significance.

NM_003384.3(VRK1):c.1004A>T (p.Asp335Val)

Gene: VRK1 (VRK serine/threonine kinase 1; plus strand). Cytogenetic location: 14q32.2.
Variant type: single nucleotide variant.
Coding change: c.1004A>T on transcript NM_003384.3 (MANE Select); coding-DNA position 1004, A replaced by T.
Protein change: p.Asp335Val; replaces aspartic acid 335 with valine.
Molecular consequence: missense variant.
Genome position (GRCh38, 1-based): chr14:96,860,671, A>T. VCF-style: chr14-96860671-A-T. GRCh37 (hg19) VCF-style: chr14-97327008-A-T.
Other names: short protein forms D335V.
Identifiers: ClinVar variation 837802 (VCV000837802.8), dbSNP rs1888350254, ClinGen allele CA390932190.